The following is an entry in ClinVar:

NM_019032.6(ADAMTSL4):c.2033C>T (p.Ala678Val)

Genes: ADAMTSL4 (ADAMTS like 4; plus strand), ADAMTSL4-AS2 (ADAMTSL4 antisense RNA 2; minus strand). Cytogenetic location: 1q21.2.
Variant type: single nucleotide variant.
Coding change: c.2033C>T on transcript NM_019032.6 (MANE Select); coding-DNA position 2033, C replaced by T.
Protein change: p.Ala678Val; replaces alanine 678 with valine.
Molecular consequence: missense variant.
Genome position (GRCh38, 1-based): chr1:150,557,321, C>T. VCF-style: chr1-150557321-C-T. GRCh37 (hg19) VCF-style: chr1-150529797-C-T.
Other names: c.1916C>T, p.Ala639Val (NM_001288607.2); c.2102C>T, p.Ala701Val (NM_001288608.2); c.2033C>T, p.Ala678Val (NM_001378596.1, NM_025008.5); short protein forms A639V, A678V, A701V.
Identifiers: ClinVar variation 2178196 (VCV002178196.3), dbSNP rs753525489, ClinGen allele CA1078486.

ClinVar aggregate classification (germline): Uncertain significance (1 of 4 stars; one submission).

Allele frequency attached by ClinVar (database versions not stated): ExAC 0.00001; gnomAD exomes 0.00001; TOPMed 0.00001.
gnomAD v4.1: 11 of 1,611,096 alleles (0.00068%); highest among the groups gnomAD compares: African/African-American, 0.0013%; no homozygotes.

Submission:

Labcorp Genetics (formerly Invitae), Labcorp
Classification: Uncertain significance. Last evaluated: 2024-02-16. Review status: criteria provided, single submitter. Criteria: Invitae Variant Classification Sherloc (09022015). Collection method: clinical testing. Allele origin: germline.
Comment: This sequence change replaces alanine, which is neutral and non-polar, with valine, which is neutral and non-polar, at codon 678 of the ADAMTSL4 protein (p.Ala678Val). The frequency data for this variant in the population databases is considered unreliable, as metrics indicate poor data quality at this position in the gnomAD database. This variant has not been reported in the literature in individuals affected with ADAMTSL4-related conditions. ClinVar contains an entry for this variant (Variation ID: 2178196). Advanced modeling of protein sequence and biophysical properties (such as structural, functional, and spatial information, amino acid conservation, physicochemical variation, residue mobility, and thermodynamic stability) performed at Invitae indicates that this missense variant is not expected to disrupt ADAMTSL4 protein function with a negative predictive value of 80%. In summary, the available evidence is currently insufficient to determine the role of this variant in disease. Therefore, it has been classified as a Variant of Uncertain Significance.